The following is an entry in ClinVar:

NC_000016.9:g.(?_8898599)_(8926102_?)del

Gene: PMM2 (phosphomannomutase 2; plus strand). Cytogenetic location: 16p13.2.
Variant type: Deletion.
Identifiers: ClinVar variation 3243365 (VCV003243365.1).

ClinVar aggregate classification (germline): Pathogenic (1 of 4 stars; one submission).

Conditions:
PMM2-congenital disorder of glycosylation. Also called: CDG Ia; JAEKEN SYNDROME; PHOSPHOMANNOMUTASE 2 DEFICIENCY; CARBOHYDRATE-DEFICIENT GLYCOPROTEIN SYNDROME, TYPE Ia; Congenital disorder of glycosylation, type Ia; PMM2-CDG. Identifiers: Orphanet 79318, MedGen C0349653, MONDO:0008907, OMIM 212065.

Submission:

Labcorp Genetics (formerly Invitae), Labcorp
Classification: Pathogenic for PMM2-congenital disorder of glycosylation. Last evaluated: 2023-11-24. Review status: criteria provided, single submitter. Criteria: Invitae Variant Classification Sherloc (09022015). Collection method: clinical testing. Allele origin: unknown.
Comment: This variant is a gross deletion of the genomic region encompassing exon(s) 3-7 of the PMM2 gene. While this deletion is not anticipated to lead to nonsense mediated decay, it is expected to disrupt the C-terminus of the protein. A similar copy number variant has been observed in individual(s) with congenital disorder of glycosylation (Invitae). In at least one individual the data is consistent with being in trans (on the opposite chromosome) from a pathogenic variant. This variant disrupts the p.Ala108 amino acid residue in PMM2. Other variant(s) that disrupt this residue have been determined to be pathogenic (PMID: 9140401, 25355454; Invitae). This suggests that this residue is clinically significant, and that variants that disrupt this residue are likely to be disease-causing. For these reasons, this variant has been classified as Pathogenic.

Literature cited by the submitters: PubMed 9140401; PubMed 25355454.